The following is an entry in ClinVar:

NM_001348768.2(HECW2):c.1735G>A (p.Gly579Ser)

Gene: HECW2 (HECT, C2 and WW domain containing E3 ubiquitin protein ligase 2; minus strand). Cytogenetic location: 2q32.3.
Variant type: single nucleotide variant.
Coding change: c.1735G>A on transcript NM_001348768.2 (MANE Select); coding-DNA position 1735, G replaced by A.
Protein change: p.Gly579Ser; replaces glycine 579 with serine.
Molecular consequence: missense variant.
Genome position (GRCh38, 1-based): chr2:196,319,155, C>T on the plus strand (G>A on the coding strand, the complement: HECW2 is on the minus strand). VCF-style: chr2-196319155-C-T. GRCh37 (hg19) VCF-style: chr2-197183879-C-T.
Other names: c.1735G>A, p.Gly579Ser (NM_020760.4); c.1735G>A (NM_020760.2, NM_020760.1); c.667G>A, p.Gly223Ser (NM_001304840.3); short protein forms G223S, G579S.
Identifiers: ClinVar variation 2054835 (VCV002054835.6), dbSNP rs764851626, ClinGen allele CA2038273.

ClinVar aggregate classification (germline): Likely benign. Review status: criteria provided, multiple submitters, no conflicts (2 of 4 stars). 3 submissions from 3 submitters: Likely benign (2). 1 of the submissions does not count toward it. Last evaluated 2024-10-07.

Conditions:
Inborn genetic diseases. Identifiers: MedGen C0950123, MeSH D030342.
HECW2-related disorder. Also called: HECW2-related condition.

Allele frequency attached by ClinVar (database versions not stated): gnomAD 0.00001; TOPMed 0.00005; gnomAD exomes 0.00006; ExAC 0.00012.
gnomAD v4.1: 34 of 1,593,974 alleles (0.0021%); highest among the groups gnomAD compares: Admixed American, 0.058%; no homozygotes.

Submissions (3):

Ambry Genetics
Classification: Likely benign for Inborn genetic diseases. Last evaluated: 2024-10-07. Review status: criteria provided, single submitter. Criteria: Ambry Variant Classification Scheme 2023. Collection method: clinical testing. Allele origin: germline.

Labcorp Genetics (formerly Invitae), Labcorp
Classification: Likely benign. Last evaluated: 2020-08-20. Review status: criteria provided, single submitter. Criteria: Invitae Variant Classification Sherloc (09022015). Collection method: clinical testing. Allele origin: germline.

PreventionGenetics, part of Exact Sciences
Classification: Likely benign for HECW2-related condition. Last evaluated: 2023-03-07. Review status: no assertion criteria provided. Collection method: clinical testing. Allele origin: germline. Not counted in ClinVar's aggregate classification.
Comment: This variant is classified as likely benign based on ACMG/AMP sequence variant interpretation guidelines (Richards et al. 2015 PMID: 25741868, with internal and published modifications).